The following is an entry in ClinVar:

ClinVar aggregate classification (germline): Pathogenic. Review status: criteria provided, multiple submitters, no conflicts (2 of 4 stars). 2 submissions from 2 submitters: Pathogenic (2). Last evaluated 2024-02-20.

Conditions:
Vanishing white matter disease. Also called: CACH syndrome; Childhood ataxia with diffuse central nervous system hypomyelination; Leukoencephalopathy with vanishing white matter; CACH/VWM syndrome; Cree leukoencehalopathy. Identifiers: Orphanet 135, Orphanet 99853, MedGen C1858991, MONDO:0800448.

gnomAD v4.1: 5 of 1,613,832 alleles (0.00031%); highest among the groups gnomAD compares: Non-Finnish European, 0.00042%; no homozygotes.

Submissions (2):

Natera, Inc.
Classification: Pathogenic for Leukoencephalopathy with vanishing white matter. Last evaluated: 2024-02-20. Review status: criteria provided, single submitter. Criteria: Natera Variant Classification Schema (03/2026). Collection method: clinical testing. Allele origin: germline.
Comment: The c.805C>T variant in EIF2B5 is a nonsense variant predicted to introduce a stop codon at amino acid 269. This variant is expected to result in nonsense mediated decay, truncation, or a dysfunctional protein product. This variant is rare in the general population with a frequency below the threshold expected for the associated phenotype(s). This variant has been observed in one or more individuals affected with the associated recessive disease, as either homozygous or compound heterozygous with a second variant (PMID: 18263758, 25089094, 19158808). Functional studies show that this variant may disrupt protein function (PMID: 21307862). Given the available evidence, this variant is classified as Pathogenic.

Labcorp Genetics (formerly Invitae), Labcorp
Classification: Pathogenic. Last evaluated: 2022-09-15. Review status: criteria provided, single submitter. Criteria: Invitae Variant Classification Sherloc (09022015). Collection method: clinical testing. Allele origin: germline.
Comment: This sequence change creates a premature translational stop signal (p.Arg269*) in the EIF2B5 gene. It is expected to result in an absent or disrupted protein product. Loss-of-function variants in EIF2B5 are known to be pathogenic (PMID: 11704758, 15060152, 21307862). This variant is not present in population databases (gnomAD no frequency). This premature translational stop signal has been observed in individual(s) with clinical features of leukoencephalopathy with vanishing white matter (PMID: 18263758, 21307862). ClinVar contains an entry for this variant (Variation ID: 1420544). For these reasons, this variant has been classified as Pathogenic.

Literature cited by the submitters: PubMed 18263758 (cited by Natera, Inc. and Labcorp Genetics (formerly Invitae), Labcorp); PubMed 25089094 (cited by Natera, Inc.); PubMed 19158808 (cited by Natera, Inc.); PubMed 21307862 (cited by Natera, Inc. and Labcorp Genetics (formerly Invitae), Labcorp); PubMed 11704758 (cited by Labcorp Genetics (formerly Invitae), Labcorp); PubMed 15060152 (cited by Labcorp Genetics (formerly Invitae), Labcorp).

NM_003907.3(EIF2B5):c.805C>T (p.Arg269Ter)

Gene: EIF2B5 (eukaryotic translation initiation factor 2B subunit epsilon; plus strand). Cytogenetic location: 3q27.1.
Variant type: single nucleotide variant.
Coding change: c.805C>T on transcript NM_003907.3 (MANE Select); coding-DNA position 805, C replaced by T.
Protein change: p.Arg269Ter; replaces arginine 269 with a stop codon.
Molecular consequence: nonsense.
Genome position (GRCh38, 1-based): chr3:184,140,119, C>T. VCF-style: chr3-184140119-C-T. GRCh37 (hg19) VCF-style: chr3-183857907-C-T.
Other names: c.805C>T (NM_003907.2); short protein forms R269*.
Identifiers: ClinVar variation 1420544 (VCV001420544.7), dbSNP rs113994058, ClinGen allele CA355383452.